The following is an entry in ClinVar:

NM_001378183.1(PIEZO2):c.463A>T (p.Ser155Cys)

Gene: PIEZO2 (piezo type mechanosensitive ion channel component 2; minus strand). Cytogenetic location: 18p11.22.
Variant type: single nucleotide variant.
Coding change: c.463A>T on transcript NM_001378183.1 (MANE Select); coding-DNA position 463, A replaced by T.
Protein change: p.Ser155Cys; replaces serine 155 with cysteine.
Molecular consequence: missense variant.
Genome position (GRCh38, 1-based): chr18:10,871,282, T>A on the plus strand (A>T on the coding strand, the complement: PIEZO2 is on the minus strand). VCF-style: chr18-10871282-T-A. GRCh37 (hg19) VCF-style: chr18-10871280-T-A.
Other names: c.463A>T, p.Ser155Cys (NM_001410871.1, NM_022068.4); short protein forms S155C.
Identifiers: ClinVar variation 2183116 (VCV002183116.4), dbSNP rs1001558334, ClinGen allele CA296587596.

ClinVar aggregate classification (germline): Uncertain significance (1 of 4 stars; one submission).

Allele frequency attached by ClinVar (database versions not stated): gnomAD 0.00009; TOPMed 0.00009.
gnomAD v4.1: 132 of 1,536,980 alleles (0.0086%); highest among the groups gnomAD compares: Non-Finnish European, 0.011%; no homozygotes.

Submission:

Labcorp Genetics (formerly Invitae), Labcorp
Classification: Uncertain significance. Last evaluated: 2022-07-11. Review status: criteria provided, single submitter. Criteria: Invitae Variant Classification Sherloc (09022015). Collection method: clinical testing. Allele origin: germline.
Comment: This variant is present in population databases (no rsID available, gnomAD 0.02%). This sequence change replaces serine, which is neutral and polar, with cysteine, which is neutral and slightly polar, at codon 155 of the PIEZO2 protein (p.Ser155Cys). This variant has not been reported in the literature in individuals affected with PIEZO2-related conditions. In summary, the available evidence is currently insufficient to determine the role of this variant in disease. Therefore, it has been classified as a Variant of Uncertain Significance. Advanced modeling of protein sequence and biophysical properties (such as structural, functional, and spatial information, amino acid conservation, physicochemical variation, residue mobility, and thermodynamic stability) performed at Invitae indicates that this missense variant is not expected to disrupt PIEZO2 protein function.